The following is an entry in ClinVar:

ClinVar aggregate classification (germline): Uncertain significance (1 of 4 stars; one submission).

Conditions:
Hereditary cancer-predisposing syndrome. Also called: Hereditary Cancer Syndrome; Neoplastic Syndromes, Hereditary; Tumor predisposition; Hereditary neoplastic syndrome. Identifiers: Orphanet 140162, MedGen C0027672, MeSH D009386, MONDO:0015356.

Allele frequency attached by ClinVar (database versions not stated): gnomAD exomes below 0.00001.
gnomAD v4.1: 3 of 1,605,046 alleles (0.00019%); highest among the groups gnomAD compares: African/African-American, 0.0013%; no homozygotes.

Submission:

Ambry Genetics
Classification: Uncertain significance for Hereditary cancer-predisposing syndrome. Last evaluated: 2025-10-20. Review status: criteria provided, single submitter. Criteria: Ambry Variant Classification Scheme 2023. Collection method: clinical testing. Allele origin: germline.
Comment: The p.C1687R variant (also known as c.5059T>C), located in coding exon 38 of the TSC2 gene, results from a T to C substitution at nucleotide position 5059. The cysteine at codon 1687 is replaced by arginine, an amino acid with highly dissimilar properties. This amino acid position is conserved. In addition, this alteration is predicted to be deleterious by in silico analysis. Since supporting evidence is limited at this time, the clinical significance of this alteration remains unclear.

NM_000548.5(TSC2):c.5059T>C (p.Cys1687Arg)

Gene: TSC2 (TSC complex subunit 2; plus strand). Cytogenetic location: 16p13.3.
Variant type: single nucleotide variant.
Coding change: c.5059T>C on transcript NM_000548.5 (MANE Select); coding-DNA position 5059, T replaced by C.
Protein change: p.Cys1687Arg; replaces cysteine 1687 with arginine.
Molecular consequence: missense variant.
Genome position (GRCh38, 1-based): chr16:2,087,932, T>C. VCF-style: chr16-2087932-T-C. GRCh37 (hg19) VCF-style: chr16-2137933-T-C.
Other names: c.4858T>C, p.Cys1620Arg (NM_001077183.3); c.4990T>C, p.Cys1664Arg (NM_001114382.3); c.4750T>C, p.Cys1584Arg (NM_001318827.2); c.4714T>C, p.Cys1572Arg (NM_001318829.2); c.4327T>C, p.Cys1443Arg (NM_001318831.2); c.4891T>C, p.Cys1631Arg (NM_001318832.2); c.4861T>C, p.Cys1621Arg (NM_001363528.2); c.4927T>C, p.Cys1643Arg (NM_001370404.1); and 26 more; short protein forms C1661R, C1195R, C1421R, C1463R, C1584R, C1601R, C1620R, C1644R.
Identifiers: ClinVar variation 1745077 (VCV001745077.3), dbSNP rs184892282, ClinGen allele CA276758642.